The following is an entry in ClinVar:

NM_004484.4(GPC3):c.1256A>G (p.Asp419Gly)

Gene: GPC3 (glypican 3; minus strand). Cytogenetic location: Xq26.2.
Variant type: single nucleotide variant.
Coding change: c.1256A>G on transcript NM_004484.4 (MANE Select); coding-DNA position 1256, A replaced by G.
Protein change: p.Asp419Gly; replaces aspartic acid 419 with glycine.
Molecular consequence: missense variant.
Genome position (GRCh38, 1-based): chrX:133,692,405, T>C on the plus strand (A>G on the coding strand, the complement: GPC3 is on the minus strand). VCF-style: chrX-133692405-T-C. GRCh37 (hg19) VCF-style: chrX-132826433-T-C.
Other names: c.1325A>G, p.Asp442Gly (NM_001164617.2); c.1208A>G, p.Asp403Gly (NM_001164618.2); c.1094A>G, p.Asp365Gly (NM_001164619.2); short protein forms D419G, D442G, D365G, D403G.
Identifiers: ClinVar variation 946784 (VCV000946784.10), dbSNP rs1185485932, ClinGen allele CA414705426.

ClinVar aggregate classification (germline): Uncertain significance (1 of 4 stars; one submission).

Conditions:
Wilms tumor 1 (WT1). Also called: Wilms tumor, somatic. Identifiers: Orphanet 654, MedGen CN033288, MONDO:0008679, OMIM 194070.

Allele frequency attached by ClinVar (database versions not stated): gnomAD exomes below 0.00001 and 0.00001.
gnomAD v4.1: 4 of 1,210,967 alleles (0.00033%); highest among the groups gnomAD compares: East Asian, 0.003%; no homozygotes.

Submission:

Labcorp Genetics (formerly Invitae), Labcorp
Classification: Uncertain significance for Wilms tumor 1. Last evaluated: 2023-06-23. Review status: criteria provided, single submitter. Criteria: Invitae Variant Classification Sherloc (09022015). Collection method: clinical testing. Allele origin: germline.
Comment: In summary, the available evidence is currently insufficient to determine the role of this variant in disease. Therefore, it has been classified as a Variant of Uncertain Significance. Advanced modeling of protein sequence and biophysical properties (such as structural, functional, and spatial information, amino acid conservation, physicochemical variation, residue mobility, and thermodynamic stability) performed at Invitae indicates that this missense variant is not expected to disrupt GPC3 protein function. ClinVar contains an entry for this variant (Variation ID: 946784). This variant has not been reported in the literature in individuals affected with GPC3-related conditions. This variant is present in population databases (no rsID available, gnomAD 0.008%). This sequence change replaces aspartic acid, which is acidic and polar, with glycine, which is neutral and non-polar, at codon 419 of the GPC3 protein (p.Asp419Gly).